The following is an entry in ClinVar:

NM_153614.4(DNAJB13):c.607G>A (p.Gly203Ser)

Gene: DNAJB13 (DnaJ heat shock protein family (Hsp40) member B13; plus strand). Cytogenetic location: 11q13.4.
Variant type: single nucleotide variant.
Coding change: c.607G>A on transcript NM_153614.4 (MANE Select); coding-DNA position 607, G replaced by A.
Protein change: p.Gly203Ser; replaces glycine 203 with serine.
Molecular consequence: missense variant.
Genome position (GRCh38, 1-based): chr11:73,968,345, G>A. VCF-style: chr11-73968345-G-A. GRCh37 (hg19) VCF-style: chr11-73679390-G-A.
Other names: c.433G>A, p.Gly145Ser (NM_001377263.1); short protein forms G145S, G203S.
Identifiers: ClinVar variation 1400940 (VCV001400940.8), dbSNP rs2135346428, ClinGen allele CA381808784.

ClinVar aggregate classification (germline): Uncertain significance (1 of 4 stars; one submission).

Submission:

Labcorp Genetics (formerly Invitae), Labcorp
Classification: Uncertain significance. Last evaluated: 2022-11-22. Review status: criteria provided, single submitter. Criteria: Invitae Variant Classification Sherloc (09022015). Collection method: clinical testing. Allele origin: germline.
Comment: In summary, the available evidence is currently insufficient to determine the role of this variant in disease. Therefore, it has been classified as a Variant of Uncertain Significance. Algorithms developed to predict the effect of sequence changes on RNA splicing suggest that this variant may disrupt the consensus splice site. Algorithms developed to predict the effect of missense changes on protein structure and function are either unavailable or do not agree on the potential impact of this missense change (SIFT: "Deleterious"; PolyPhen-2: "Benign"; Align-GVGD: "Class C0"). ClinVar contains an entry for this variant (Variation ID: 1400940). This variant has not been reported in the literature in individuals affected with DNAJB13-related conditions. This variant is not present in population databases (gnomAD no frequency). This sequence change replaces glycine, which is neutral and non-polar, with serine, which is neutral and polar, at codon 203 of the DNAJB13 protein (p.Gly203Ser).